The following is an entry in ClinVar:

ClinVar aggregate classification (germline): Likely pathogenic (1 of 4 stars; one submission).

Conditions:
Deficiency of acetyl-CoA acetyltransferase. Also called: 3-KETOTHIOLASE DEFICIENCY; 3-OXOTHIOLASE DEFICIENCY; MITOCHONDRIAL ACETOACETYL-CoA THIOLASE DEFICIENCY; Beta-ketothiolase deficiency. Identifiers: Orphanet 134, MedGen C1536500, MONDO:0008760, OMIM 203750. Disease mechanism: loss of function.

Submission:

Labcorp Genetics (formerly Invitae), Labcorp
Classification: Likely pathogenic for Deficiency of acetyl-CoA acetyltransferase. Last evaluated: 2022-08-02. Review status: criteria provided, single submitter. Criteria: Invitae Variant Classification Sherloc (09022015). Collection method: clinical testing. Allele origin: unknown.
Comment: This variant disrupts the p.His397 amino acid residue in ACAT1. Other variant(s) that disrupt this residue have been determined to be pathogenic (PMID: 15128923, 20157782). This suggests that this residue is clinically significant, and that variants that disrupt this residue are likely to be disease-causing. In summary, the currently available evidence indicates that the variant is pathogenic, but additional data are needed to prove that conclusively. Therefore, this variant has been classified as Likely Pathogenic. This variant has not been reported in the literature in individuals affected with ACAT1-related conditions. This variant is a gross deletion of the genomic region encompassing exon(s) 12 of the ACAT1 gene, which includes the termination codon. This deletion extends beyond the assayed region for this gene and therefore may encompass additional genes. While this deletion is not anticipated to lead to nonsense mediated decay, it is expected to alter mRNA translation or result in a truncated protein product.

Literature cited by the submitters: PubMed 15128923; PubMed 20157782.

NC_000011.9:g.(?_108017977)_(108018117_?)del

Gene: ACAT1 (acetyl-CoA acetyltransferase 1; plus strand). Cytogenetic location: 11q22.3.
Variant type: Deletion.
Identifiers: ClinVar variation 3244599 (VCV003244599.1).